The following is an entry in ClinVar:

ClinVar aggregate classification (germline): Pathogenic (1 of 4 stars; one submission).

Conditions:
Mitochondrial DNA depletion syndrome 1. Also called: POLIP SYNDROME; POLYNEUROPATHY, OPHTHALMOPLEGIA, LEUKOENCEPHALOPATHY, AND INTESTINAL PSEUDOOBSTRUCTION; Mitochondrial Neurogastrointestinal Encephalopathy Disease; MITOCHONDRIAL NEUROGASTROINTESTINAL ENCEPHALOPATHY SYNDROME, TYMP-RELATED; MNGIE, TYMP-RELATED; Mitochondrial neurogastrointestinal encephalomyopathy syndrome. Identifiers: Orphanet 298, MedGen C4551995, MONDO:0011283, OMIM 603041.

Submission:

Myriad Genetics, Inc.
Classification: Pathogenic for Mitochondrial DNA depletion syndrome 1. Last evaluated: 2026-03-19. Review status: criteria provided, single submitter. Criteria: Myriad Autosomal Dominant, Autosomal Recessive and X-Linked Classification Criteria (2023). Collection method: clinical testing. Allele origin: unknown.
Comment: NM_001953.4(TYMP):c.176_177ins16(A60Vfs*69) is expected to be pathogenic in the context of mitochondrial neurogastrointestinal encephalopathy disease. This variant is predicted to lead to an abnormal or absent protein product due to the creation of a premature termination codon in TYMP, a gene where loss-of-function variants are known to be pathogenic. Please note: this variant was assessed in the context of healthy population screening.

NM_001953.5(TYMP):c.176_177insTGTCTCTTATACACAT (p.Ala60fs)

Gene: TYMP (thymidine phosphorylase; minus strand). Cytogenetic location: 22q13.33.
Variant type: Insertion.
Coding change: c.176_177insTGTCTCTTATACACAT on transcript NM_001953.5 (MANE Select); coding-DNA positions 176 to 177, TGTCTCTTATACACAT inserted.
Protein change: p.Ala60fs; shifts the reading frame from alanine 60.
Molecular consequence: frameshift variant.
Genome position: GRCh38 VCF-style: chr22-50529533-G-GATGTGTATAAGAGACA. GRCh37 (hg19) VCF-style: chr22-50967962-G-GATGTGTATAAGAGACA.
Other names: c.176_177insTGTCTCTTATACACAT, p.Ala60fs (NM_001113755.3, NM_001113756.3, NM_001257988.1 and 1 more transcripts); short protein forms A60fs.
Identifiers: ClinVar variation 5011011 (VCV005011011.1).
Genomic context (GRCh38, chr22:50,529,533, plus strand): 5'-AACGCCCAACCCTCCCCACGCACCGATCTGTGCGCCCTGCGCGCTCCCATTCACCACAGC[G>GATGTGTATAAGAGACA]GCCACGAAGCCCCTGATGTCCGCTTCGCTCAGGCGGCCTCCGTCTCGCTTCATGCGGATC-3'